The following is an entry in ClinVar:

NM_001376.5(DYNC1H1):c.13372+5G>A

Gene: DYNC1H1 (dynein cytoplasmic 1 heavy chain 1; plus strand). Cytogenetic location: 14q32.31.
Variant type: single nucleotide variant.
Coding change: c.13372+5G>A on transcript NM_001376.5 (MANE Select); 5 bases into the intron after coding-DNA position 13372, G replaced by A.
Molecular consequence: intron variant.
Genome position (GRCh38, 1-based): chr14:102,048,674, G>A. VCF-style: chr14-102048674-G-A. GRCh37 (hg19) VCF-style: chr14-102515011-G-A.
Identifiers: ClinVar variation 2913652 (VCV002913652.3), dbSNP rs763589386, ClinGen allele CA7354216.

ClinVar aggregate classification (germline): Uncertain significance (1 of 4 stars; one submission).

Conditions:
Charcot-Marie-Tooth disease axonal type 2O. Also called: CHARCOT-MARIE-TOOTH NEUROPATHY, AXONAL, TYPE 2O; CHARCOT-MARIE-TOOTH DISEASE, AXONAL, AUTOSOMAL DOMINANT, TYPE 2O; Charcot-Marie-Tooth Neuropathy Type 2O; Charcot-Marie-Tooth disease, axonal, type 20. Identifiers: Orphanet 284232, MedGen C3280220, MONDO:0013644, OMIM 614228.

Allele frequency attached by ClinVar (database versions not stated): TOPMed below 0.00001; ExAC 0.00001; gnomAD exomes 0.00001.
gnomAD v4.1: 9 of 1,612,568 alleles (0.00056%); highest among the groups gnomAD compares: Admixed American, 0.0017%; no homozygotes.

Submission:

Labcorp Genetics (formerly Invitae), Labcorp
Classification: Uncertain significance for Charcot-Marie-Tooth disease axonal type 2O. Last evaluated: 2024-01-18. Review status: criteria provided, single submitter. Criteria: Invitae Variant Classification Sherloc (09022015). Collection method: clinical testing. Allele origin: germline.
Comment: This sequence change falls in intron 74 of the DYNC1H1 gene. It does not directly change the encoded amino acid sequence of the DYNC1H1 protein. It affects a nucleotide within the consensus splice site. This variant is present in population databases (rs763589386, gnomAD 0.003%). This variant has not been reported in the literature in individuals affected with DYNC1H1-related conditions. Variants that disrupt the consensus splice site are a relatively common cause of aberrant splicing (PMID: 17576681, 9536098). Algorithms developed to predict the effect of sequence changes on RNA splicing suggest that this variant may create or strengthen a splice site. In summary, the available evidence is currently insufficient to determine the role of this variant in disease. Therefore, it has been classified as a Variant of Uncertain Significance.

Literature cited by the submitters: PubMed 17576681; PubMed 9536098.